The following is an entry in ClinVar:

NM_001281747.2(MLIP):c.1825A>T (p.Lys609Ter)

Gene: MLIP (muscular LMNA interacting protein; plus strand). Cytogenetic location: 6p12.1.
Variant type: single nucleotide variant.
Coding change: c.1825A>T on transcript NM_001281747.2 (MANE Select); coding-DNA position 1825, A replaced by T.
Protein change: p.Lys609Ter; replaces lysine 609 with a stop codon.
Molecular consequence: nonsense. On other transcripts: intron variant (1).
Genome position (GRCh38, 1-based): chr6:54,137,894, A>T. VCF-style: chr6-54137894-A-T. GRCh37 (hg19) VCF-style: chr6-54002692-A-T.
Other names: MLIP, LYS609TER (rs901032025); c.1792A>T, p.Lys598Ter (NM_001281746.2); c.613-11162A>T (NM_138569.3); c.1825A>T (NM_001281747.1); short protein forms K609*, K598*.
Identifiers: ClinVar variation 1801325 (VCV001801325.3), dbSNP rs901032025, ClinGen allele CA139491264.

ClinVar aggregate classification (germline): Pathogenic. Review status: criteria provided, single submitter (1 of 4 stars). 2 submissions from 2 submitters: Pathogenic (1). 1 of the submissions does not count toward it. Last evaluated 2025-05-06.

Conditions:
Myopathy with myalgia, increased serum creatine kinase, and with or without episodic rhabdomyolysis. Identifiers: MedGen CN322496, MONDO:0979249.

Allele frequency attached by ClinVar (database versions not stated): TOPMed 0.00014.
gnomAD v4.1: 16 of 1,535,958 alleles (0.001%); no homozygotes.

Submissions (2):

GeneDx
Classification: Pathogenic. Last evaluated: 2025-05-06. Review status: criteria provided, single submitter. Criteria: GeneDx Variant Classification Process June 2021. Collection method: clinical testing. Allele origin: germline. Affected: yes.
Comment: Nonsense variant predicted to result in protein truncation or nonsense mediated decay in a gene for which loss of function is a known mechanism of disease; Not observed at significant frequency in large population cohorts (gnomAD); This variant is associated with the following publications: (PMID: 34935254)

OMIM
Classification: Pathogenic for MYOPATHY WITH MYALGIA AND INCREASED SERUM CREATINE KINASE. Last evaluated: 2024-10-18. Review status: no assertion criteria provided. Collection method: literature only. Allele origin: germline. Not counted in ClinVar's aggregate classification.

Literature cited by the submitters: PubMed 34935254 (cited by OMIM).